The following is an entry in ClinVar:

NM_004655.4(AXIN2):c.2270A>G (p.His757Arg)

Gene: AXIN2 (axin 2; minus strand). Cytogenetic location: 17q24.1.
Variant type: single nucleotide variant.
Coding change: c.2270A>G on transcript NM_004655.4 (MANE Select); coding-DNA position 2270, A replaced by G.
Protein change: p.His757Arg; replaces histidine 757 with arginine.
Molecular consequence: missense variant.
Genome position (GRCh38, 1-based): chr17:65,534,047, T>C on the plus strand (A>G on the coding strand, the complement: AXIN2 is on the minus strand). VCF-style: chr17-65534047-T-C. GRCh37 (hg19) VCF-style: chr17-63530165-T-C.
Other names: c.2075A>G, p.His692Arg (NM_001363813.1); short protein forms H692R, H757R.
Identifiers: ClinVar variation 1718888 (VCV001718888.9), dbSNP rs1567752208, ClinGen allele CA400675615.

ClinVar aggregate classification (germline): Uncertain significance. Review status: criteria provided, multiple submitters, no conflicts (2 of 4 stars). 2 submissions from 2 submitters: Uncertain significance (2). Last evaluated 2025-03-27.

Conditions:
Hereditary cancer-predisposing syndrome. Also called: Hereditary neoplastic syndrome; Neoplastic Syndromes, Hereditary; Hereditary Cancer Syndrome; Tumor predisposition. Identifiers: Orphanet 140162, MedGen C0027672, MeSH D009386, MONDO:0015356.
Oligodontia-cancer predisposition syndrome. Also called: TOOTH AGENESIS-COLORECTAL CANCER SYNDROME. Identifiers: Orphanet 300576, MedGen C1837750, MONDO:0012075, OMIM 608615. Disease mechanism: loss of function.

Allele frequency attached by ClinVar (database versions not stated): gnomAD exomes below 0.00001.
gnomAD v4.1: 3 of 1,614,236 alleles (0.00019%); highest among the groups gnomAD compares: Non-Finnish European, 0.00025%; no homozygotes.

Submissions (2):

Ambry Genetics
Classification: Uncertain significance for Hereditary cancer-predisposing syndrome. Last evaluated: 2025-03-27. Review status: criteria provided, single submitter. Criteria: Ambry Variant Classification Scheme 2023. Collection method: clinical testing. Allele origin: germline.
Comment: The p.H757R variant (also known as c.2270A>G), located in coding exon 9 of the AXIN2 gene, results from an A to G substitution at nucleotide position 2270. The histidine at codon 757 is replaced by arginine, an amino acid with highly similar properties. This amino acid position is well conserved in available vertebrate species. In addition, this alteration is predicted to be tolerated by in silico analysis. Based on the available evidence, the clinical significance of this variant remains unclear.

Labcorp Genetics (formerly Invitae), Labcorp
Classification: Uncertain significance for Oligodontia-cancer predisposition syndrome. Last evaluated: 2023-12-11. Review status: criteria provided, single submitter. Criteria: Invitae Variant Classification Sherloc (09022015). Collection method: clinical testing. Allele origin: germline.
Comment: This sequence change replaces histidine, which is basic and polar, with arginine, which is basic and polar, at codon 757 of the AXIN2 protein (p.His757Arg). This variant is not present in population databases (gnomAD no frequency). This variant has not been reported in the literature in individuals affected with AXIN2-related conditions. ClinVar contains an entry for this variant (Variation ID: 1718888). Advanced modeling of protein sequence and biophysical properties (such as structural, functional, and spatial information, amino acid conservation, physicochemical variation, residue mobility, and thermodynamic stability) performed at Invitae indicates that this missense variant is not expected to disrupt AXIN2 protein function with a negative predictive value of 80%. In summary, the available evidence is currently insufficient to determine the role of this variant in disease. Therefore, it has been classified as a Variant of Uncertain Significance.